The following is an entry in ClinVar:

NM_003701.4(TNFSF11):c.50A>T (p.Glu17Val)

Genes: TNFSF11 (TNF superfamily member 11; plus strand), LOC130009662 (ATAC-STARR-seq lymphoblastoid silent region 5301; plus strand). Cytogenetic location: 13q14.11.
Variant type: single nucleotide variant.
Coding change: c.50A>T on transcript NM_003701.4 (MANE Select); coding-DNA position 50, A replaced by T.
Protein change: p.Glu17Val; replaces glutamic acid 17 with valine.
Molecular consequence: missense variant. On other transcripts: intron variant (1).
Genome position (GRCh38, 1-based): chr13:42,574,353, A>T. VCF-style: chr13-42574353-A-T. GRCh37 (hg19) VCF-style: chr13-43148489-A-T.
Other names: c.-1+2615A>T (NM_033012.4); short protein forms E17V.
Identifiers: ClinVar variation 3675539 (VCV003675539.2).

ClinVar aggregate classification (germline): Uncertain significance (1 of 4 stars; one submission).

gnomAD v4.1: 1 of 1,542,948 alleles (0.000065%); highest among the groups gnomAD compares: South Asian, 0.0012%; no homozygotes.

Submission:

Labcorp Genetics (formerly Invitae), Labcorp
Classification: Uncertain significance. Last evaluated: 2024-05-26. Review status: criteria provided, single submitter. Criteria: Invitae Variant Classification Sherloc (09022015). Collection method: clinical testing. Allele origin: germline.
Comment: This sequence change replaces glutamic acid, which is acidic and polar, with valine, which is neutral and non-polar, at codon 17 of the TNFSF11 protein (p.Glu17Val). This variant is not present in population databases (gnomAD no frequency). This variant has not been reported in the literature in individuals affected with TNFSF11-related conditions. An algorithm developed to predict the effect of missense changes on protein structure and function (PolyPhen-2) suggests that this variant is likely to be tolerated. In summary, the available evidence is currently insufficient to determine the role of this variant in disease. Therefore, it has been classified as a Variant of Uncertain Significance.